The following is an entry in ClinVar:

ClinVar aggregate classification (germline): Uncertain significance (1 of 4 stars; one submission).

Conditions:
Cardiovascular phenotype. Identifiers: MedGen CN230736.

Allele frequency attached by ClinVar (database versions not stated): TOPMed 0.00001.

Submission:

Ambry Genetics
Classification: Uncertain significance for Cardiovascular phenotype. Last evaluated: 2023-11-29. Review status: criteria provided, single submitter. Criteria: Ambry Variant Classification Scheme 2023. Collection method: clinical testing. Allele origin: germline.
Comment: The p.C259G variant (also known as c.775T>G), located in coding exon 2 of the TNXB gene, results from a T to G substitution at nucleotide position 775. The cysteine at codon 259 is replaced by glycine, an amino acid with highly dissimilar properties. This amino acid position is conserved. In addition, the in silico prediction for this alteration is inconclusive. Since supporting evidence is limited at this time, the clinical significance of this alteration remains unclear.

NM_001365276.2(TNXB):c.775T>G (p.Cys259Gly)

Gene: TNXB (tenascin XB; minus strand). Cytogenetic location: 6p21.33.
Variant type: single nucleotide variant.
Coding change: c.775T>G on transcript NM_001365276.2 (MANE Select); coding-DNA position 775, T replaced by G.
Protein change: p.Cys259Gly; replaces cysteine 259 with glycine.
Molecular consequence: missense variant.
Genome position (GRCh38, 1-based): chr6:32,097,078, A>C on the plus strand (T>G on the coding strand, the complement: TNXB is on the minus strand). VCF-style: chr6-32097078-A-C. GRCh37 (hg19) VCF-style: chr6-32064855-A-C.
Other names: c.775T>G, p.Cys259Gly (NM_001428335.1, NM_019105.8); short protein forms C259G.
Identifiers: ClinVar variation 3227324 (VCV003227324.1), dbSNP rs1384157566, ClinGen allele CA363485340.